The following is an entry in ClinVar:

ClinVar aggregate classification (germline): Conflicting classifications of pathogenicity. Review status: criteria provided, conflicting classifications (1 of 4 stars). 11 submissions from 11 submitters: Uncertain significance (7); Benign (2); Likely benign (1). 1 of the submissions does not count toward it. Last evaluated 2026-01-28.

Conditions:
Inborn genetic diseases. Identifiers: MedGen C0950123, MeSH D030342.
Early-infantile DEE. Also called: Ohtahara syndrome; Early infantile epileptic encephalopathy with suppression bursts; Early infantile epileptic encephalopathy. Identifiers: Orphanet 1934, MedGen C0393706, MONDO:0800491.
Migraine, familial hemiplegic, 3. Identifiers: Orphanet 569, MedGen C1864987, MONDO:0012320, OMIM 609634.
Severe myoclonic epilepsy in infancy (DRVT). Also called: Dravet syndrome; SEVERE MYOCLONIC EPILEPSY OF INFANCY; DEVELOPMENTAL AND EPILEPTIC ENCEPHALOPATHY 6A; Severe Myoclonic Epilepsy in Infancy (SMEI); Epileptic encephalopathy, early infantile, 6 (Dravet syndrome). Identifiers: Orphanet 33069, MedGen C0751122, MONDO:0100135, OMIM 607208.
Generalized epilepsy with febrile seizures plus, type 2 (GEFSP2). Also called: GEFS+, TYPE 2. Identifiers: Orphanet 36387, MedGen C1858673, MONDO:0011461, OMIM 604403.
Developmental and epileptic encephalopathy 6B. Also called: Developmental and epileptic encephalopathy 6B, non-Dravet. Identifiers: MedGen C5543353, MONDO:0030268, OMIM 619317.
SCN1A-related disorder. Also called: SCN1A-related conditions; SCN1A-related condition; SCN1A-related disorders.

Allele frequency attached by ClinVar (database versions not stated): gnomAD 0.00003 and 0.00008; TOPMed 0.00005; ExAC 0.00007; gnomAD exomes 0.00007 and 0.00017; ESP Exome Variant Server 0.00015; 1000 Genomes Project 30x 0.00031; 1000 Genomes Project 0.00040.
gnomAD v4.1: 262 of 1,613,162 alleles (0.016%); highest among the groups gnomAD compares: East Asian, 0.36%; no homozygotes.

Submissions (12):

Labcorp Genetics (formerly Invitae), Labcorp
Classification: Benign for Early-infantile DEE. Last evaluated: 2026-01-28. Review status: criteria provided, single submitter. Criteria: Invitae Variant Classification Sherloc (09022015). Collection method: clinical testing. Allele origin: germline.

PreventionGenetics, part of Exact Sciences
Classification: Uncertain significance for SCN1A-related condition. Last evaluated: 2025-02-03. Review status: criteria provided, single submitter. Criteria: ACMG Guidelines, 2015. Collection method: clinical testing. Allele origin: germline.
Comment: The SCN1A c.4723C>T variant is predicted to result in the amino acid substitution p.Arg1575Cys. This variant (also known as c.4690C>T, p.Arg1564Cys) has been reported in individuals with Dravet syndrome who presented with febrile seizures and severe intellectual disability (Table 2, Lee et al. 2020. PubMed ID: 32613771; Supplemental Table, Patient JN046, JN166, Kang et al. 2019. PubMed ID: 31875159) and in an individual with Rasmussen encephalitis. Functional studies suggest this variant resulted in neuronal hyper-excitability due to changes in the sodium channel (Ohmori et al 2008. PubMed ID: 18031552). However, this variant has also been identified in unaffected family members, suggesting incomplete penetrance (Patient 2, Kobayashi et al. 2010. PubMed ID: 20675100). This variant is reported in 0.065% of alleles in individuals of East Asian descent in gnomAD, which is significantly more common than any other variant known to cause disease. Taken together, while we suspect that this variant may be pathogenic with incomplete penetrance, at this time we interpret its clinical significance as uncertain due to the absence of conclusive functional and genetic evidence.

Ambry Genetics
Classification: Likely benign for Inborn genetic diseases. Last evaluated: 2024-12-03. Review status: criteria provided, single submitter. Criteria: Ambry Variant Classification Scheme 2023. Collection method: clinical testing. Allele origin: germline.

GeneDx
Classification: Uncertain significance. Last evaluated: 2023-07-01. Review status: criteria provided, single submitter. Criteria: GeneDx Variant Classification Process June 2021. Collection method: clinical testing. Allele origin: germline. Affected: yes.
Comment: Published functional studies demonstrate that R1575C may increase channel activity and act as a susceptibility allele (Ohmori et al., 2008); Missense variants in this gene are often considered pathogenic (HGMD); In silico analysis supports that this missense variant does not alter protein structure/function; This substitution is predicted to be within the transmembrane segment S2 of the fourth homologous domain; This variant is associated with the following publications: (PMID: 20675100, 33067208, 22309220, 22050978, 31719132, 18930999, 31875159, 23195492, 18031552, 21868258, 19586930, 27538648, 26311622, 22386634, 18076640, 32613771, 34661330)

Blueprint Genetics
Classification: Uncertain significance. Last evaluated: 2021-06-30. Review status: criteria provided, single submitter. Criteria: ACMG Guidelines, 2015. Collection method: clinical testing. Allele origin: germline.

Mendelics
Classification: Benign for Severe myoclonic epilepsy in infancy. Last evaluated: 2019-05-28. Review status: criteria provided, single submitter. Criteria: Mendelics Assertion Criteria 2017. Collection method: clinical testing. Allele origin: unknown.

Baylor Genetics
Classification: Uncertain significance for Severe myoclonic epilepsy in infancy. Last evaluated: 2018-09-10. Review status: criteria provided, single submitter. Criteria: ACMG Guidelines, 2015. Collection method: clinical testing. Allele origin: paternal. Affected: yes.
Comment: This variant was determined to be of uncertain significance according to ACMG Guidelines, 2015 [PMID:25741868].

Eurofins Ntd Llc (ga)
Classification: Uncertain significance. Last evaluated: 2017-08-17. Review status: criteria provided, single submitter. Criteria: EGL Classification Definitions 2015. Collection method: clinical testing. Allele origin: germline. Observed: 2 variant alleles, 2 heterozygotes.

Genetic Services Laboratory, University of Chicago
Classification: Uncertain significance. Last evaluated: 2013-01-07. Review status: criteria provided, single submitter. Criteria: ACMG Guidelines, 2007. Collection method: clinical testing. Allele origin: germline. Inheritance: Autosomal dominant inheritance.

Juno Genomics, Hangzhou Juno Genomics, Inc
Classification: Uncertain significance for Developmental and epileptic encephalopathy 6B; Severe myoclonic epilepsy in infancy; Generalized epilepsy with febrile seizures plus, type 2; Migraine, familial hemiplegic, 3. Review status: criteria provided, single submitter. Criteria: ACMG Guidelines, 2015. Collection method: clinical testing. Allele origin: germline.
Comment: Missense variant in a gene that has a low rate of benign missense variation.

Channelopathy-Associated Epilepsy Research Center
No classification provided (evidence only). Condition: Severe myoclonic epilepsy in infancy. Review status: no classification provided. Collection method: literature only. Allele origin: not applicable. Functional consequence: Normal peak current, Normal voltage dependence of activation, Normal slope of activation, Moderate depolarizing shift of voltage dependence of fast inactivation, Normal slope of fast inactivation, Normal rate of recovery from fast inactivation, Severe increase in persistent current, Overall mixed or unclear functional effect with respect to biophysical channel activity. Not counted in ClinVar's aggregate classification.
ClinVar note: "not provided" was previously submitted as the classification for the variant. However, the classification appeared to be based only on an observation of functional data so it was converted to no classification on 2025-07-30.

UniProtKB/Swiss-Prot
No classification provided. Review status: no classification provided. Collection method: not provided. Allele origin: unknown. Not counted in ClinVar's aggregate classification.

Literature cited by the submitters: PubMed 18031552 (cited by Channelopathy-Associated Epilepsy Research Center).

NM_001165963.4(SCN1A):c.4723C>T (p.Arg1575Cys)

Genes: SCN1A (sodium voltage-gated channel alpha subunit 1; minus strand), LOC102724058 (uncharacterized LOC102724058; plus strand). Cytogenetic location: 2q24.3.
Variant type: single nucleotide variant.
Coding change: c.4723C>T on transcript NM_001165963.4 (MANE Select); coding-DNA position 4723, C replaced by T.
Protein change: p.Arg1575Cys; replaces arginine 1575 with cysteine.
Molecular consequence: missense variant. On other transcripts: non-coding transcript variant (1).
Genome position (GRCh38, 1-based): chr2:165,994,275, G>A on the plus strand (C>T on the coding strand, the complement: SCN1A is on the minus strand). VCF-style: chr2-165994275-G-A. GRCh37 (hg19) VCF-style: chr2-166850785-G-A.
Other names: p.R1575C:CGC>TGC; c.4639C>T, p.Arg1547Cys (NM_001165964.3, NM_001353957.2, NM_001353958.2); c.4723C>T, p.Arg1575Cys (NM_001202435.3, NM_001353948.2); c.4690C>T, p.Arg1564Cys (NM_001353949.2, NM_001353950.2, NM_001353951.2 and 2 more transcripts); c.4687C>T, p.Arg1563Cys (NM_001353954.2, NM_001353955.2); c.4636C>T, p.Arg1546Cys (NM_001353960.2); c.2281C>T, p.Arg761Cys (NM_001353961.2); c.4723C>T (NM_001202435.1); short protein forms R1564C, R1575C, R1546C, R761C, R1547C, R1563C.
Identifiers: ClinVar variation 68636 (VCV000068636.28), dbSNP rs121918807, ClinGen allele CA219777.